The following is an entry in ClinVar:

NM_024426.6(WT1):c.1448-10G>A

Gene: WT1 (WT1 transcription factor; minus strand). Cytogenetic location: 11p13.
Variant type: single nucleotide variant.
Coding change: c.1448-10G>A on transcript NM_024426.6 (MANE Select); 10 bases into the intron before coding-DNA position 1448, G replaced by A.
Molecular consequence: intron variant.
Genome position (GRCh38, 1-based): chr11:32,389,189, C>T on the plus strand (G>A on the coding strand, the complement: WT1 is on the minus strand). VCF-style: chr11-32389189-C-T. GRCh37 (hg19) VCF-style: chr11-32410735-C-T.
Other names: c.1274-10G>A (NM_001407050.1); c.1316-10G>A (NM_001407047.1); c.1307-10G>A (NM_001407048.1); c.1304-10G>A (NM_001407049.1); c.1388-10G>A (NM_000378.6); c.1397-10G>A (NM_001407045.1); c.1433-10G>A (NM_001407044.1); c.1355-10G>A (NM_001407046.1); and 5 more.
Identifiers: ClinVar variation 414073 (VCV000414073.16), dbSNP rs185744719, ClinGen allele CA064583.
Genomic context (GRCh38, chr11:32,389,189, plus strand): 5'-GGGCAAACTTTTTCTGACAACTTGGCCACCGACAGCTGAAGGGCTTTTCACCTGTTGACA[C>T]AATTGCCAGTCAGAGACACTTGCAACAAAGAGACAGGCACAAGTTCAACTATCAAGGCCC-3'

ClinVar aggregate classification (germline): Benign/Likely benign. Review status: criteria provided, multiple submitters, no conflicts (2 of 4 stars). 5 submissions from 5 submitters: Benign (4); Likely benign (1). Last evaluated 2026-01-14.

Conditions:
Wilms tumor 1 (WT1). Also called: Wilms tumor, somatic. Identifiers: Orphanet 654, MedGen CN033288, MONDO:0008679, OMIM 194070.
Frasier syndrome. Identifiers: Orphanet 347, MedGen C0950122, MeSH D052159, MONDO:0007635, OMIM 136680.
Drash syndrome (DDS). Also called: NEPHROPATHY, WILMS TUMOR, AND GENITAL ANOMALIES; WILMS TUMOR AND PSEUDO- OR TRUE HERMAPHRODITISM. Identifiers: Orphanet 220, MedGen C0950121, MONDO:0008682, OMIM 194080.
11p partial monosomy syndrome (WAGR). Also called: WAGR Spectrum Disorder; CHROMOSOME 11p13 DELETION SYNDROME; WAGR syndrome; WAGR Complex. Identifiers: Orphanet 893, MedGen C0206115, MONDO:0008681, OMIM 194072.
Aniridia 1 (AN1). Identifiers: Orphanet 250923, MedGen C0344542, MONDO:0024507, OMIM 106210.
Meacham syndrome. Also called: Meacham Winn Culler syndrome. Identifiers: Orphanet 3097, MedGen C1837026, MONDO:0012164, OMIM 608978.
Mesothelioma, malignant (MESOM). Also called: Malignant mesothelioma (disease). Identifiers: Orphanet 50251, MedGen C0345967, MONDO:0006292, OMIM 156240, HP:0100001.
Nephrotic syndrome, type 4 (NPHS4). Also called: Familial mesangial sclerosis; Nephrotic syndrome, early onset with diffuse mesangial sclerosis. Identifiers: Orphanet 656, MedGen C3151568, MONDO:0009733, OMIM 256370.
Hereditary cancer-predisposing syndrome. Also called: Neoplastic Syndromes, Hereditary; Tumor predisposition; Hereditary Cancer Syndrome; Hereditary neoplastic syndrome. Identifiers: Orphanet 140162, MedGen C0027672, MeSH D009386, MONDO:0015356.

Allele frequency attached by ClinVar (database versions not stated): TOPMed 0.00008; ExAC 0.00022; 1000 Genomes Project 0.00040; 1000 Genomes Project 30x 0.00047.

Submissions (5):

Labcorp Genetics (formerly Invitae), Labcorp
Classification: Benign for Wilms tumor 1; Drash syndrome; 11p partial monosomy syndrome; Frasier syndrome. Last evaluated: 2026-01-14. Review status: criteria provided, single submitter. Criteria: Invitae Variant Classification Sherloc (09022015). Collection method: clinical testing. Allele origin: germline.

All of Us Research Program, National Institutes of Health
Classification: Benign for Wilms tumor 1. Last evaluated: 2023-12-13. Review status: criteria provided, single submitter. Criteria: ACMG Guidelines, 2015. Collection method: clinical testing. Allele origin: germline. Inheritance: Autosomal dominant inheritance. Observed: 11 variant alleles, 11 heterozygotes.
Comment: This study involves interpretation of variants in research participants for the purpose of population health screening. Participant phenotype was not available at the time of variant classification. Additional details can be found in publication PMID: 35346344, PMCID: PMC8962531

Color Diagnostics, LLC DBA Color Health
Classification: Benign for Wilms tumor 1. Last evaluated: 2023-04-27. Review status: criteria provided, single submitter. Criteria: ACMG Guidelines, 2015. Collection method: clinical testing. Allele origin: germline.

Sema4
Classification: Benign for Hereditary cancer-predisposing syndrome. Last evaluated: 2021-12-23. Review status: criteria provided, single submitter. Criteria: Sema4 Curation Guidelines. Collection method: curation. Allele origin: germline.

Fulgent Genetics
Classification: Likely benign for Aniridia 1; Frasier syndrome; Mesothelioma, malignant; Wilms tumor 1; 11p partial monosomy syndrome; Drash syndrome; Nephrotic syndrome, type 4; Meacham syndrome. Last evaluated: 2021-10-22. Review status: criteria provided, single submitter. Criteria: ACMG Guidelines, 2015. Collection method: clinical testing. Allele origin: unknown.